The following is an entry in ClinVar:

ClinVar aggregate classification (germline): Benign (1 of 4 stars; one submission).

Allele frequency attached by ClinVar (database versions not stated): gnomAD exomes 0.00013; gnomAD 0.00119; TOPMed 0.00165.
gnomAD v4.1: 218 of 398,584 alleles (0.055%); highest among the groups gnomAD compares: African/African-American, 0.37%; no homozygotes.

Submission:

CeGaT Center for Human Genetics Tuebingen
Classification: Benign. Last evaluated: 2023-04-01. Review status: criteria provided, single submitter. Criteria: CeGaT Center For Human Genetics Tuebingen Variant Classification Criteria Version 2. Collection method: clinical testing. Allele origin: germline. Affected: yes. Observed: 1 variant allele.
Comment: KCNQ1OT1: BS1, BS2

NM_000218.3(KCNQ1):c.1394-16941T>C

Genes: KCNQ1 (potassium voltage-gated channel subfamily Q member 1; plus strand), KCNQ1OT1 (KCNQ1 opposite strand/antisense transcript 1; minus strand). Cytogenetic location: 11p15.5.
Variant type: single nucleotide variant.
Coding change: c.1394-16941T>C on transcript NM_000218.3 (MANE Select); 16941 bases into the intron before coding-DNA position 1394, T replaced by C.
Molecular consequence: intron variant. On other transcripts: non-coding transcript variant (1).
Genome position (GRCh38, 1-based): chr11:2,645,020, T>C. VCF-style: chr11-2645020-T-C. GRCh37 (hg19) VCF-style: chr11-2666250-T-C.
Other names: c.1124-16941T>C (NM_001406837.1); c.1298-16941T>C (NM_001406836.1); c.854-16941T>C (NM_001406838.1); c.1013-16941T>C (NM_181798.2).
Identifiers: ClinVar variation 2641417 (VCV002641417.24), dbSNP rs893798082, ClinGen allele CA216157595.